The following is an entry in ClinVar:

NC_000005.10:g.112707366T>C

Gene: APC (APC regulator of Wnt signaling pathway; plus strand). Cytogenetic location: 5q22.2.
Variant type: single nucleotide variant.
Genome position: GRCh38 VCF-style: chr5-112707366-T-C. GRCh37 (hg19) VCF-style: chr5-112043063-T-C.
Identifiers: ClinVar variation 469894 (VCV000469894.10), dbSNP rs929883108, ClinGen allele CA124924550.

ClinVar aggregate classification (germline): Uncertain significance (1 of 4 stars; one submission).

Conditions:
Familial adenomatous polyposis 1 (FAP1). Also called: FAMILIAL ADENOMATOUS POLYPOSIS 1, ATTENUATED; POLYPOSIS, ADENOMATOUS INTESTINAL. Identifiers: MedGen C2713442, MONDO:0021056, OMIM 175100. Disease mechanism: loss of function.

Allele frequency attached by ClinVar (database versions not stated): TOPMed 0.00002; gnomAD exomes 0.00001; gnomAD 0.00002.

Submission:

Labcorp Genetics (formerly Invitae), Labcorp
Classification: Uncertain significance for Familial adenomatous polyposis 1. Last evaluated: 2026-01-08. Review status: criteria provided, single submitter. Criteria: Invitae Variant Classification Sherloc (09022015). Collection method: clinical testing. Allele origin: germline.
Comment: This variant occurs in a non-coding region of the APC gene. It does not change the encoded amino acid sequence of the APC protein. This variant is not present in population databases (gnomAD no frequency). This variant has not been reported in the literature in individuals affected with APC-related conditions. ClinVar contains an entry for this variant (Variation ID: 469894). Experimental studies and prediction algorithms are not available or were not evaluated, and the functional significance of this variant is currently unknown. In summary, the available evidence is currently insufficient to determine the role of this variant in disease. Therefore, it has been classified as a Variant of Uncertain Significance.